The following is an entry in ClinVar:

ClinVar aggregate classification (germline): Uncertain significance. Review status: criteria provided, multiple submitters, no conflicts (2 of 4 stars). 3 submissions from 3 submitters: Uncertain significance (2). 1 of the submissions does not count toward it. Last evaluated 2025-08-19.

Conditions:
IL7R-related disorder. Also called: IL7R-related condition.
Inborn genetic diseases. Identifiers: MedGen C0950123, MeSH D030342.

Allele frequency attached by ClinVar (database versions not stated): TOPMed 0.00001.

Submissions (3):

Ambry Genetics
Classification: Uncertain significance for Inborn genetic diseases. Last evaluated: 2025-08-19. Review status: criteria provided, single submitter. Criteria: Ambry Variant Classification Scheme 2023. Collection method: clinical testing. Allele origin: germline.

PreventionGenetics, part of Exact Sciences
Classification: Uncertain significance for IL7R-related condition. Last evaluated: 2023-01-05. Review status: criteria provided, single submitter. Criteria: ACMG Guidelines, 2015. Collection method: clinical testing. Allele origin: germline.
Comment: The IL7R c.772A>G variant is predicted to result in the amino acid substitution p.Ile258Val. To our knowledge, this variant has not been reported in the literature in association with disease. This variant was reported in a study of germline variants in cancer-susceptibility genes in an healthy, ancestrally diverse cohort (Supplemental Table 1, Bodian et al. 2014. PubMed ID: 24728327). This variant is reported in 0.0099% of alleles in individuals of Ashkenazi Jewish descent in gnomAD. At this time, the clinical significance of this variant is uncertain due to the absence of conclusive functional and genetic evidence.

ITMI
No classification provided. Condition: AllHighlyPenetrant. Last evaluated: 2013-09-19. Review status: no classification provided. Collection method: reference population. Allele origin: germline. Not counted in ClinVar's aggregate classification.
Comment: Please see associated publication for description of ethnicities

Literature cited by the submitters: PubMed 24728327 (cited by ITMI).

NM_002185.5(IL7R):c.772A>G (p.Ile258Val)

Gene: IL7R (interleukin 7 receptor; plus strand). Cytogenetic location: 5p13.2.
Variant type: single nucleotide variant.
Coding change: c.772A>G on transcript NM_002185.5 (MANE Select); coding-DNA position 772, A replaced by G.
Protein change: p.Ile258Val; replaces isoleucine 258 with valine.
Molecular consequence: missense variant.
Genome position (GRCh38, 1-based): chr5:35,874,514, A>G. VCF-style: chr5-35874514-A-G. GRCh37 (hg19) VCF-style: chr5-35874616-A-G.
Other names: c.772A>G (NM_002185.2, NM_002185.3); short protein forms I258V.
Identifiers: ClinVar variation 134529 (VCV000134529.3), dbSNP rs200150755, ClinGen allele CA160102.